The following is an entry in ClinVar:

NM_001368397.1(FRMPD4):c.3109A>G (p.Lys1037Glu)

Gene: FRMPD4 (FERM and PDZ domain containing 4; plus strand). Cytogenetic location: Xp22.2.
Variant type: single nucleotide variant.
Coding change: c.3109A>G on transcript NM_001368397.1 (MANE Select); coding-DNA position 3109, A replaced by G.
Protein change: p.Lys1037Glu; replaces lysine 1037 with glutamic acid.
Molecular consequence: missense variant.
Genome position (GRCh38, 1-based): chrX:12,717,935, A>G. VCF-style: chrX-12717935-A-G. GRCh37 (hg19) VCF-style: chrX-12736054-A-G.
Other names: c.3220A>G, p.Lys1074Glu (NM_001368395.3, NM_001368398.3); c.3115A>G, p.Lys1039Glu (NM_001368396.3); c.3100A>G, p.Lys1034Glu (NM_001368399.3); c.2989A>G, p.Lys997Glu (NM_001368400.3); c.3085A>G, p.Lys1029Glu (NM_001368401.1, NM_001368402.3); c.3109A>G, p.Lys1037Glu (NM_014728.3); short protein forms K1029E, K1034E, K1039E, K1074E, K997E, K1037E.
Identifiers: ClinVar variation 3851787 (VCV003851787.2).

ClinVar aggregate classification (germline): Uncertain significance. Review status: criteria provided, multiple submitters, no conflicts (2 of 4 stars). 2 submissions from 2 submitters: Uncertain significance (2). Last evaluated 2025-03-14.

Conditions:
Inborn genetic diseases. Identifiers: MedGen C0950123, MeSH D030342.

gnomAD v4.1: 4 of 1,209,488 alleles (0.00033%); highest among the groups gnomAD compares: Admixed American, 0.0087%; no homozygotes.

Submissions (2):

Women's Health and Genetics/Laboratory Corporation of America, LabCorp
Classification: Uncertain significance. Last evaluated: 2025-03-14. Review status: criteria provided, single submitter. Criteria: LabCorp Variant Classification Summary - May 2015. Collection method: clinical testing. Allele origin: germline.
Comment: Variant summary: FRMPD4 c.3109A>G (p.Lys1037Glu) results in a conservative amino acid change in the encoded protein sequence. Four of five in-silico tools predict a benign effect of the variant on protein function. The variant allele was found at a frequency of 5.5e-06 in 183396 control chromosomes (gnomAD). The available data on variant occurrences in the general population are insufficient to allow any conclusion about variant significance. To our knowledge, no occurrence of c.3109A>G in individuals affected with X-Linked Intellectual Disability 104 and no experimental evidence demonstrating its impact on protein function have been reported. No submitters have cited clinical-significance assessments for this variant to ClinVar. Based on the evidence outlined above, the variant was classified as uncertain significance.

Ambry Genetics
Classification: Uncertain significance for Inborn genetic diseases. Last evaluated: 2025-01-20. Review status: criteria provided, single submitter. Criteria: Ambry Variant Classification Scheme 2023. Collection method: clinical testing. Allele origin: germline.